The following is an entry in ClinVar:

ClinVar aggregate classification (germline): Uncertain significance (1 of 4 stars; one submission).

Allele frequency attached by ClinVar (database versions not stated): gnomAD exomes below 0.00001; TOPMed 0.00002.
gnomAD v4.1: 11 of 1,599,540 alleles (0.00069%); highest among the groups gnomAD compares: Non-Finnish European, 0.00094%; no homozygotes.

Submission:

Labcorp Genetics (formerly Invitae), Labcorp
Classification: Uncertain significance. Last evaluated: 2024-10-25. Review status: criteria provided, single submitter. Criteria: Invitae Variant Classification Sherloc (09022015). Collection method: clinical testing. Allele origin: germline.
Comment: This sequence change replaces aspartic acid, which is acidic and polar, with glycine, which is neutral and non-polar, at codon 208 of the KCNV2 protein (p.Asp208Gly). The frequency data for this variant in the population databases is considered unreliable, as metrics indicate poor data quality at this position in the gnomAD database. This variant has not been reported in the literature in individuals affected with KCNV2-related conditions. ClinVar contains an entry for this variant (Variation ID: 1510466). Invitae Evidence Modeling of protein sequence and biophysical properties (such as structural, functional, and spatial information, amino acid conservation, physicochemical variation, residue mobility, and thermodynamic stability) indicates that this missense variant is not expected to disrupt KCNV2 protein function with a negative predictive value of 95%. In summary, the available evidence is currently insufficient to determine the role of this variant in disease. Therefore, it has been classified as a Variant of Uncertain Significance.

NM_133497.4(KCNV2):c.623A>G (p.Asp208Gly)

Gene: KCNV2 (potassium voltage-gated channel modifier subfamily V member 2; plus strand). Cytogenetic location: 9p24.2.
Variant type: single nucleotide variant.
Coding change: c.623A>G on transcript NM_133497.4 (MANE Select); coding-DNA position 623, A replaced by G.
Protein change: p.Asp208Gly; replaces aspartic acid 208 with glycine.
Molecular consequence: missense variant.
Genome position (GRCh38, 1-based): chr9:2,718,362, A>G. VCF-style: chr9-2718362-A-G. GRCh37 (hg19) VCF-style: chr9-2718362-A-G.
Other names: short protein forms D208G.
Identifiers: ClinVar variation 1510466 (VCV001510466.8), dbSNP rs1233843071, ClinGen allele CA372798557.